The following is an entry in ClinVar:

ClinVar aggregate classification (germline): Uncertain significance. Review status: criteria provided, multiple submitters, no conflicts (2 of 4 stars). 2 submissions from 2 submitters: Uncertain significance (2). Last evaluated 2025-01-06.

Conditions:
Pancreatic adenocarcinoma. Identifiers: MedGen C0281361, MONDO:0006047, HP:0006725.

Allele frequency attached by ClinVar (database versions not stated): gnomAD exomes below 0.00001; TOPMed 0.00001.
gnomAD v4.1: 2 of 1,536,844 alleles (0.00013%); highest among the groups gnomAD compares: Non-Finnish European, 0.00017%; no homozygotes.

Submissions (2):

Ambry Genetics
Classification: Uncertain significance. Last evaluated: 2025-01-06. Review status: criteria provided, single submitter. Criteria: Ambry Variant Classification Scheme 2023. Collection method: clinical testing. Allele origin: germline.
Comment: The p.E670Q variant (also known as c.2008G>C), located in coding exon 11 of the PALLD gene, results from a G to C substitution at nucleotide position 2008. The glutamic acid at codon 670 is replaced by glutamine, an amino acid with highly similar properties. This amino acid position is conserved. In addition, this alteration is predicted to be tolerated by in silico analysis. Based on the available evidence, the clinical significance of this variant remains unclear.

Labcorp Genetics (formerly Invitae), Labcorp
Classification: Uncertain significance for Pancreatic adenocarcinoma. Last evaluated: 2020-01-09. Review status: criteria provided, single submitter. Criteria: Invitae Variant Classification Sherloc (09022015). Collection method: clinical testing. Allele origin: germline.
Comment: In summary, the available evidence is currently insufficient to determine the role of this variant in disease. Therefore, it has been classified as a Variant of Uncertain Significance. Algorithms developed to predict the effect of missense changes on protein structure and function are either unavailable or do not agree on the potential impact of this missense change (SIFT: "Not Available"; PolyPhen-2: "Benign"; Align-GVGD: "Class C0"). This sequence change replaces glutamic acid with glutamine at codon 670 of the PALLD protein (p.Glu670Gln). The glutamic acid residue is weakly conserved and there is a small physicochemical difference between glutamic acid and glutamine. This variant is not present in population databases (ExAC no frequency). This variant has not been reported in the literature in individuals with PALLD-related conditions.

NM_001166108.2(PALLD):c.*194G>C

Genes: CBR4 (carbonyl reductase 4; minus strand), PALLD (palladin, cytoskeletal associated protein; plus strand). Cytogenetic location: 4q32.3.
Variant type: single nucleotide variant.
Coding change: c.*194G>C on transcript NM_001166108.2 (MANE Select); 194 bases downstream of the stop codon, G replaced by C.
Molecular consequence: 3 prime UTR variant. On other transcripts: missense variant (4).
Genome position (GRCh38, 1-based): chr4:168,926,374, G>C. VCF-style: chr4-168926374-G-C. GRCh37 (hg19) VCF-style: chr4-169847525-G-C.
Other names: c.2323G>C, p.Glu775Gln (NM_001166109.2); c.2008G>C, p.Glu670Gln (NM_001166110.2); c.*194G>C (NM_001367567.1, NM_001367570.1, NM_016081.4); c.1399G>C, p.Glu467Gln (NM_001367568.1); c.1348G>C, p.Glu450Gln (NM_001367569.1); short protein forms E450Q, E467Q, E775Q, E670Q.
Identifiers: ClinVar variation 858387 (VCV000858387.10), dbSNP rs893660432, ClinGen allele CA109864755.